The following is an entry in ClinVar:

ClinVar aggregate classification (germline): not provided (0 of 4 stars; one submission).

Conditions:
FG syndrome 1 (OKS). Also called: OPITZ-KAVEGGIA SYNDROME; KELLER SYNDROME; MENTAL RETARDATION, LARGE HEAD, IMPERFORATE ANUS, CONGENITAL HYPOTONIA, AND PARTIAL AGENESIS OF CORPUS CALLOSUM; FG Syndrome Type 1 (FGS1). Identifiers: Orphanet 93932, MedGen C5399762, MONDO:0010590, OMIM 305450.

Submission:

GeneReviews
No classification provided. Condition: FG syndrome. Review status: no classification provided. Collection method: literature only. Allele origin: germline.

Literature cited by the submitters: PubMed 33244165; PubMed 20301719.

NM_005120.3(MED12):c.6280C>T (p.Gln2094Ter)

Gene: MED12 (mediator complex subunit 12; plus strand). Cytogenetic location: Xq13.1.
Variant type: single nucleotide variant.
Coding change: c.6280C>T on transcript NM_005120.3 (MANE Select); coding-DNA position 6280, C replaced by T.
Protein change: p.Gln2094Ter; replaces glutamine 2094 with a stop codon.
Molecular consequence: nonsense.
Genome position (GRCh38, 1-based): chrX:71,141,242, C>T. VCF-style: chrX-71141242-C-T. GRCh37 (hg19) VCF-style: chrX-70361092-C-T.
Other names: short protein forms Q2094*.
Identifiers: ClinVar variation 1210256 (VCV001210256.2), dbSNP rs2147841653, ClinGen allele CA413541376.